The following is an entry in ClinVar:

NM_001077365.2(POMT1):c.123-5dup

Gene: POMT1 (protein O-mannosyltransferase 1; plus strand). Cytogenetic location: 9q34.13.
Variant type: Duplication.
Coding change: c.123-5dup on transcript NM_001077365.2 (MANE Select); 5 bases into the intron before coding-DNA position 123, one base duplicated (T; older notation c.123-5dupT).
Molecular consequence: intron variant.
Genome position (GRCh38, 1-based): chr9:131,506,109, T duplicated; the last of 9 consecutive T bases (chr9:131,506,101-131,506,109); duplicating any one gives the same sequence. VCF-style (leftmost placement, unchanged base first): chr9-131506100-G-GT. GRCh37 (hg19) VCF-style: chr9-134381487-G-GT.
Other names: c.123-5dupT (NM_007171.3); c.-40-5dup (NM_001353198.2, NM_001353194.2, NM_001374689.1 and 3 more transcripts); c.123-5dup (NM_001353193.2, NM_001136113.2, NM_007171.4 and 1 more transcripts); c.-71-1259dup (NM_001374691.1, NM_001374692.1); c.123-294dup (NM_001353196.2); c.-122-294dup (NM_001353195.2, NM_001353199.2, NM_001136114.2); c.-30+1769dup (NM_001374695.1); c.-80-294dup (NM_001353200.2).
Identifiers: ClinVar variation 95453 (VCV000095453.23), dbSNP rs148086540, ClinGen allele CA148547.

ClinVar aggregate classification (germline): Benign. Review status: criteria provided, multiple submitters, no conflicts (2 of 4 stars). 8 submissions from 6 submitters: Benign (8). Last evaluated 2026-02-04.

Conditions:
Congenital muscular dystrophy. Identifiers: Orphanet 97242, MedGen C0699743, MONDO:0019950. Disease mechanism: loss of function.
Muscular dystrophy-dystroglycanopathy (congenital with brain and eye anomalies), type A1 (MDDGA1). Also called: COD-MD SYNDROME; WALKER-WARBURG SYNDROME OR MUSCLE-EYE-BRAIN DISEASE, POMT1-RELATED; Hydrocephalus, agyria and retinal dysplasia; Hard +/- E syndrome; Warburg syndrome; Chemke syndrome. Identifiers: Orphanet 588, Orphanet 899, MedGen C4284790, MONDO:0009364, OMIM 236670.
Walker-Warburg congenital muscular dystrophy. Also called: Muscular dystrophy-dystroglycanopathy, type A; Walker-Warburg syndrome. Identifiers: Orphanet 899, MedGen C0265221, MONDO:0000171.
Muscular dystrophy-dystroglycanopathy (congenital with impaired intellectual development), type B, 1. Also called: Muscular dystrophy-dystroglycanopathy (congenital with intellectual disability), type B1; MUSCULAR DYSTROPHY, CONGENITAL, POMT1-RELATED. Identifiers: MedGen C5436962, MONDO:0013159, OMIM 613155.
Autosomal recessive limb-girdle muscular dystrophy type 2K. Also called: MUSCULAR DYSTROPHY, LIMB-GIRDLE, TYPE 2K; MUSCULAR DYSTROPHY-DYSTROGLYCANOPATHY (LIMB-GIRDLE), TYPE C, 1. Identifiers: Orphanet 86812, MedGen C1836373, MONDO:0012248, OMIM 609308.

Submissions (8):

Labcorp Genetics (formerly Invitae), Labcorp
Classification: Benign for Muscular dystrophy-dystroglycanopathy (congenital with impaired intellectual development), type B, 1; Walker-Warburg congenital muscular dystrophy; Autosomal recessive limb-girdle muscular dystrophy type 2K. Last evaluated: 2026-02-04. Review status: criteria provided, single submitter. Criteria: Invitae Variant Classification Sherloc (09022015). Collection method: clinical testing. Allele origin: germline.

Blueprint Genetics
Classification: Benign. Last evaluated: 2024-11-27. Review status: criteria provided, single submitter. Criteria: ACMG Guidelines, 2015. Collection method: clinical testing. Allele origin: germline.

Genome-Nilou Lab
Classification: Benign for Muscular dystrophy-dystroglycanopathy (congenital with brain and eye anomalies), type A1. Last evaluated: 2021-10-25. Review status: criteria provided, single submitter. Criteria: ACMG Guidelines, 2015. Collection method: clinical testing. Allele origin: germline. Affected: no.

Genome-Nilou Lab
Classification: Benign for Muscular dystrophy-dystroglycanopathy (congenital with impaired intellectual development), type B, 1. Last evaluated: 2021-10-25. Review status: criteria provided, single submitter. Criteria: ACMG Guidelines, 2015. Collection method: clinical testing. Allele origin: germline. Affected: no.

Genome-Nilou Lab
Classification: Benign for Autosomal recessive limb-girdle muscular dystrophy type 2K. Last evaluated: 2021-10-25. Review status: criteria provided, single submitter. Criteria: ACMG Guidelines, 2015. Collection method: clinical testing. Allele origin: germline. Affected: no.

Laboratory for Molecular Medicine, Mass General Brigham Personalized Medicine
Classification: Benign. Last evaluated: 2016-04-25. Review status: criteria provided, single submitter. Criteria: LMM Criteria. Collection method: clinical testing. Allele origin: germline.
Comment: Variant identified in a genome or exome case(s) and assessed due to predicted null impact of the variant or pathogenic assertions in the literature or databases. Disclaimer: This variant has not undergone full assessment. The following are preliminary notes: Frequency in ESP (all): 1457/12518=11.6%

Eurofins Ntd Llc (ga)
Classification: Benign. Last evaluated: 2014-12-17. Review status: criteria provided, single submitter. Criteria: EGL Classification Definitions. Collection method: clinical testing. Allele origin: germline. Observed: 18 variant alleles, 18 heterozygotes.

GeneDx
Classification: Benign for Congenital muscular dystrophy. Last evaluated: 2014-04-01. Review status: criteria provided, single submitter. Criteria: GeneDx Variant Classification (06012015). Collection method: clinical testing. Allele origin: germline. Affected: yes.
Comment: The variant is found in CORTICAL-BRAIN panel(s).

Literature cited by the submitters: PubMed 23757202 (cited by Eurofins Ntd Llc (ga)).